The following is an entry in ClinVar:

NM_001277115.2(DNAH11):c.3952C>T (p.Gln1318Ter)

Gene: DNAH11 (dynein axonemal heavy chain 11; plus strand). Cytogenetic location: 7p15.3.
Variant type: single nucleotide variant.
Coding change: c.3952C>T on transcript NM_001277115.2 (MANE Select); coding-DNA position 3952, C replaced by T.
Protein change: p.Gln1318Ter; replaces glutamine 1318 with a stop codon.
Molecular consequence: nonsense.
Genome position (GRCh38, 1-based): chr7:21,615,213, C>T. VCF-style: chr7-21615213-C-T. GRCh37 (hg19) VCF-style: chr7-21654831-C-T.
Other names: c.3952C>T, p.Gln1318Ter (NM_003777.3); short protein forms Q1318*.
Identifiers: ClinVar variation 2837832 (VCV002837832.3), dbSNP rs2534689898, ClinGen allele CA366951229.

ClinVar aggregate classification (germline): Pathogenic (1 of 4 stars; one submission).

Conditions:
Primary ciliary dyskinesia. Also called: Ciliary dyskinesia. Identifiers: Orphanet 244, MedGen C0008780, MONDO:0016575, HP:0012265.

Submission:

Labcorp Genetics (formerly Invitae), Labcorp
Classification: Pathogenic for Primary ciliary dyskinesia. Last evaluated: 2023-02-16. Review status: criteria provided, single submitter. Criteria: Invitae Variant Classification Sherloc (09022015). Collection method: clinical testing. Allele origin: germline.
Comment: This sequence change creates a premature translational stop signal (p.Gln1318*) in the DNAH11 gene. It is expected to result in an absent or disrupted protein product. Loss-of-function variants in DNAH11 are known to be pathogenic (PMID: 18022865, 20513915, 22184204). For these reasons, this variant has been classified as Pathogenic. This variant has not been reported in the literature in individuals affected with DNAH11-related conditions. This variant is not present in population databases (gnomAD no frequency).

Literature cited by the submitters: PubMed 18022865; PubMed 20513915; PubMed 22184204.